The following is an entry in ClinVar:

ClinVar aggregate classification (germline): Uncertain significance (1 of 4 stars; one submission).

Allele frequency attached by ClinVar (database versions not stated): gnomAD 0.00001; gnomAD exomes 0.00001.
gnomAD v4.1: 4 of 1,578,254 alleles (0.00025%); highest among the groups gnomAD compares: Admixed American, 0.0019%; no homozygotes.

Submission:

Ambry Genetics
Classification: Uncertain significance. Last evaluated: 2022-05-21. Review status: criteria provided, single submitter. Criteria: Ambry Variant Classification Scheme 2023. Collection method: clinical testing. Allele origin: germline.
Comment: The p.R141G variant (also known as c.421A>G), located in coding exon 4 of the BUB1 gene, results from an A to G substitution at nucleotide position 421. The arginine at codon 141 is replaced by glycine, an amino acid with dissimilar properties. This amino acid position is conserved. In addition, the in silico prediction for this alteration is inconclusive. Since supporting evidence is limited at this time, the clinical significance of this alteration remains unclear.

NM_004336.5(BUB1):c.421A>G (p.Arg141Gly)

Gene: BUB1 (BUB1 mitotic checkpoint serine/threonine kinase; minus strand). Cytogenetic location: 2q13.
Variant type: single nucleotide variant.
Coding change: c.421A>G on transcript NM_004336.5 (MANE Select); coding-DNA position 421, A replaced by G.
Protein change: p.Arg141Gly; replaces arginine 141 with glycine.
Molecular consequence: missense variant.
Genome position (GRCh38, 1-based): chr2:110,672,662, T>C on the plus strand (A>G on the coding strand, the complement: BUB1 is on the minus strand). VCF-style: chr2-110672662-T-C. GRCh37 (hg19) VCF-style: chr2-111430239-T-C.
Other names: c.361A>G, p.Arg121Gly (NM_001278616.2); c.421A>G, p.Arg141Gly (NM_001278617.2); short protein forms R141G, R121G.
Identifiers: ClinVar variation 1738805 (VCV001738805.2), dbSNP rs1254389975, ClinGen allele CA348220259.